The following is an entry in ClinVar:

ClinVar aggregate classification (germline): not provided (0 of 4 stars; one submission).

Conditions:
Familial cold autoinflammatory syndrome 1 (FCAS1). Also called: CRYOPYRIN-ASSOCIATED PERIODIC SYNDROME 1; Familial cold inflammatory syndrome 1. Identifiers: Orphanet 47045, MedGen C4551895, MONDO:0007349, OMIM 120100.

Submission:

Unité médicale des maladies autoinflammatoires, CHRU Montpellier
No classification provided. Condition: Familial cold urticaria. Review status: no classification provided. Collection method: not provided. Allele origin: unknown.
Comment: also involved in OMIM 191900 and 607115

NM_001243133.2(NLRP3):c.777T>G (p.Cys259Trp)

Gene: NLRP3 (NLR family pyrin domain containing 3; plus strand). Cytogenetic location: 1q44.
Variant type: single nucleotide variant.
Coding change: c.777T>G on transcript NM_001243133.2 (MANE Select); coding-DNA position 777, T replaced by G.
Protein change: p.Cys259Trp; replaces cysteine 259 with tryptophan.
Molecular consequence: missense variant.
Genome position (GRCh38, 1-based): chr1:247,424,226, T>G. VCF-style: chr1-247424226-T-G. GRCh37 (hg19) VCF-style: chr1-247587528-T-G.
Other names: c.777T>G, p.Cys259Trp (NM_001079821.3, NM_001127461.3, NM_001127462.3 and 1 more transcripts); c.783T>G, p.Cys261Trp (NM_004895.5); short protein forms C261W, C259W.
Identifiers: ClinVar variation 97968 (VCV000097968.1), dbSNP rs180177475, ClinGen allele CA281347.